The following is an entry in ClinVar:

NM_182760.4(SUMF1):c.789_790insAG (p.Glu264fs)

Gene: SUMF1 (sulfatase modifying factor 1; minus strand). Cytogenetic location: 3p26.1.
Variant type: Insertion.
Coding change: c.789_790insAG on transcript NM_182760.4 (MANE Select); coding-DNA positions 789 to 790, AG inserted.
Protein change: p.Glu264fs; shifts the reading frame from glutamic acid 264.
Molecular consequence: frameshift variant.
Genome position: GRCh38 VCF-style: chr3-4417178-C-CCT. GRCh37 (hg19) VCF-style: chr3-4458862-C-CCT.
Other names: c.714_715insAG, p.Glu239fs (NM_001164674.2); c.789_790insAG, p.Glu264fs (NM_001164675.2); short protein forms E239fs, E264fs.
Identifiers: ClinVar variation 5010993 (VCV005010993.1).
Genomic context (GRCh38, chr3:4,417,178, plus strand): 5'-CATTACTCACAGGCGCAGTTCCTTGGAAGCCATCCTCACCAGTGTTGGTCACCGGAAACT[C>CCT]GCCCTGCCAAATGTTGGCATAATGCTGGCCTTTGGGCTGCAGTTTGTTGCCCCAGGGGAA-3'

ClinVar aggregate classification (germline): Pathogenic (1 of 4 stars; one submission).

Conditions:
Multiple sulfatase deficiency (MSD). Also called: Mucosulfatidosis; Multiple Sulfatase Deficiency Disease; Sulfatidosis, Juvenile, Austin Type. Identifiers: Orphanet 585, MedGen C0268263, MONDO:0010088, OMIM 272200.

Submission:

Myriad Genetics, Inc.
Classification: Pathogenic for Multiple sulfatase deficiency. Last evaluated: 2024-05-14. Review status: criteria provided, single submitter. Criteria: Myriad Autosomal Dominant, Autosomal Recessive and X-Linked Classification Criteria (2023). Collection method: clinical testing. Allele origin: unknown.
Comment: NM_182760.3(SUMF1):c.789_790insAG(E264Rfs*5) is expected to be pathogenic in the context of multiple sulfatase deficiency. This variant is predicted to lead to an abnormal or absent protein product due to the creation of a premature termination codon in SUMF1, a gene where loss-of-function variants are known to be pathogenic. Please note: this variant was assessed in the context of healthy population screening.